The following is an entry in ClinVar:

ClinVar aggregate classification (germline): Conflicting classifications of pathogenicity. Review status: criteria provided, conflicting classifications (1 of 4 stars). 3 submissions from 3 submitters: Uncertain significance (2); Likely benign (1). Last evaluated 2025-08-13.

Conditions:
Hereditary cancer-predisposing syndrome. Also called: Neoplastic Syndromes, Hereditary; Hereditary neoplastic syndrome; Tumor predisposition; Hereditary Cancer Syndrome. Identifiers: Orphanet 140162, MedGen C0027672, MeSH D009386, MONDO:0015356.
Fanconi anemia complementation group J. Also called: BRIP1-Related Fanconi Anemia. Identifiers: Orphanet 84, MedGen C1836860, MONDO:0012187, OMIM 609054.
Familial cancer of breast. Also called: hereditary breast carcinoma; BREAST CANCER, FAMILIAL; Hereditary breast cancer. Identifiers: Orphanet 227535, MedGen C0346153, MONDO:0016419, OMIM 114480. Disease mechanism: loss of function.

Allele frequency attached by ClinVar (database versions not stated): TOPMed 0.00001.
gnomAD v4.1: 1 of 1,612,886 alleles (0.000062%); no homozygotes.

Submissions (3):

Labcorp Genetics (formerly Invitae), Labcorp
Classification: Uncertain significance for Familial cancer of breast; Fanconi anemia complementation group J. Last evaluated: 2025-08-13. Review status: criteria provided, single submitter. Criteria: Invitae Variant Classification Sherloc (09022015). Collection method: clinical testing. Allele origin: germline.
Comment: This sequence change replaces asparagine, which is neutral and polar, with aspartic acid, which is acidic and polar, at codon 1160 of the BRIP1 protein (p.Asn1160Asp). This variant is not present in population databases (gnomAD no frequency). This variant has not been reported in the literature in individuals affected with BRIP1-related conditions. ClinVar contains an entry for this variant (Variation ID: 843942). Invitae Evidence Modeling of protein sequence and biophysical properties (such as structural, functional, and spatial information, amino acid conservation, physicochemical variation, residue mobility, and thermodynamic stability) indicates that this missense variant is not expected to disrupt BRIP1 protein function with a negative predictive value of 95%. In summary, the available evidence is currently insufficient to determine the role of this variant in disease. Therefore, it has been classified as a Variant of Uncertain Significance.

Ambry Genetics
Classification: Likely benign for Hereditary cancer-predisposing syndrome. Last evaluated: 2025-02-10. Review status: criteria provided, single submitter. Criteria: Ambry Variant Classification Scheme 2023. Collection method: clinical testing. Allele origin: germline.

Fulgent Genetics
Classification: Uncertain significance for Familial cancer of breast; Fanconi anemia complementation group J. Last evaluated: 2024-05-17. Review status: criteria provided, single submitter. Criteria: ACMG Guidelines, 2015. Collection method: clinical testing. Allele origin: germline.

NM_032043.3(BRIP1):c.3478A>G (p.Asn1160Asp)

Gene: BRIP1 (BRCA1 interacting DNA helicase 1; minus strand). Cytogenetic location: 17q23.2.
Variant type: single nucleotide variant.
Coding change: c.3478A>G on transcript NM_032043.3 (MANE Select); coding-DNA position 3478, A replaced by G.
Protein change: p.Asn1160Asp; replaces asparagine 1160 with aspartic acid.
Molecular consequence: missense variant.
Genome position (GRCh38, 1-based): chr17:61,683,568, T>C on the plus strand (A>G on the coding strand, the complement: BRIP1 is on the minus strand). VCF-style: chr17-61683568-T-C. GRCh37 (hg19) VCF-style: chr17-59760929-T-C.
Other names: short protein forms N1160D.
Identifiers: ClinVar variation 843942 (VCV000843942.12), dbSNP rs2061305104, ClinGen allele CA400478617.